The following is an entry in ClinVar:

NM_000264.5(PTCH1):c.3476T>C (p.Leu1159Pro)

Gene: PTCH1 (patched 1; minus strand). Cytogenetic location: 9q22.32.
Variant type: single nucleotide variant.
Coding change: c.3476T>C on transcript NM_000264.5 (MANE Select); coding-DNA position 3476, T replaced by C.
Protein change: p.Leu1159Pro; replaces leucine 1159 with proline.
Molecular consequence: missense variant. On other transcripts: non-coding transcript variant (1).
Genome position (GRCh38, 1-based): chr9:95,449,914, A>G on the plus strand (T>C on the coding strand, the complement: PTCH1 is on the minus strand). VCF-style: chr9-95449914-A-G. GRCh37 (hg19) VCF-style: chr9-98212196-A-G.
Other names: c.3278T>C, p.Leu1093Pro (NM_001083602.3); c.3473T>C, p.Leu1158Pro (NM_001083603.3); c.3023T>C, p.Leu1008Pro (NM_001083604.3, NM_001083605.3, NM_001083606.3 and 1 more transcripts); c.3320T>C, p.Leu1107Pro (NM_001354918.2); short protein forms L1159P, L1008P, L1093P, L1158P, L1107P.
Identifiers: ClinVar variation 660979 (VCV000660979.12), dbSNP rs1588519508, ClinGen allele CA374111579.

ClinVar aggregate classification (germline): Conflicting classifications of pathogenicity. Review status: criteria provided, conflicting classifications (1 of 4 stars). 2 submissions from 2 submitters: Likely pathogenic (1); Uncertain significance (1). Last evaluated 2026-04-24.

Conditions:
Gorlin syndrome. Also called: Basal cell nevus syndrome; Nevoid Basal Cell Carcinoma Syndrome. Identifiers: Orphanet 377, MedGen C0004779, MONDO:0007187.
Hereditary cancer-predisposing syndrome. Also called: Tumor predisposition; Hereditary Cancer Syndrome; Neoplastic Syndromes, Hereditary; Hereditary neoplastic syndrome. Identifiers: Orphanet 140162, MedGen C0027672, MeSH D009386, MONDO:0015356.

Submissions (2):

Ambry Genetics
Classification: Likely pathogenic for Hereditary cancer-predisposing syndrome. Last evaluated: 2026-04-24. Review status: criteria provided, single submitter. Criteria: Ambry Variant Classification Scheme 2023. Collection method: clinical testing. Allele origin: germline.
Comment: The p.L1159P variant (also known as c.3476T>C), located in coding exon 21 of the PTCH1 gene, results from a T to C substitution at nucleotide position 3476. The leucine at codon 1159 is replaced by proline, an amino acid with similar properties. This variant was reported in individual(s) with features consistent with PTCH1-related nevoid basal cell carcinoma syndrome (Ambry internal data). Based on internal structural analysis, this variant is more disruptive than known pathogenic variants (Li SC et al. Proc Natl Acad Sci USA, 1996 Jun;93:6676-81; Qi C et al. Sci Adv, 2019 Sep;5; Ambry internal data). This amino acid position is highly conserved in available vertebrate species. In addition, this alteration is predicted to be deleterious by in silico analysis. This variant is considered to be rare based on population cohorts in the Genome Aggregation Database (gnomAD). Based on the majority of available evidence to date, this variant is likely to be pathogenic.

Labcorp Genetics (formerly Invitae), Labcorp
Classification: Uncertain significance for Gorlin syndrome. Last evaluated: 2018-09-01. Review status: criteria provided, single submitter. Criteria: Invitae Variant Classification Sherloc (09022015). Collection method: clinical testing. Allele origin: germline.
Comment: This variant is not present in population databases (ExAC no frequency). This variant has not been reported in the literature in individuals with PTCH1-related disease. Algorithms developed to predict the effect of missense changes on protein structure and function are either unavailable or do not agree on the potential impact of this missense change (SIFT: "Deleterious"; PolyPhen-2: "Probably Damaging"; Align-GVGD: "Class C0"). In summary, the available evidence is currently insufficient to determine the role of this variant in disease. Therefore, it has been classified as a Variant of Uncertain Significance. This sequence change replaces leucine with proline at codon 1159 of the PTCH1 protein (p.Leu1159Pro). The leucine residue is highly conserved and there is a moderate physicochemical difference between leucine and proline.

Literature cited by the submitters: PubMed 31555730 (cited by Ambry Genetics); PubMed 8692877 (cited by Ambry Genetics).